The following is an entry in ClinVar:

NM_205861.3(DHDDS):c.919G>C (p.Glu307Gln)

Gene: DHDDS (dehydrodolichyl diphosphate synthase subunit; plus strand). Cytogenetic location: 1p36.11.
Variant type: single nucleotide variant.
Coding change: c.919G>C on transcript NM_205861.3 (MANE Select); coding-DNA position 919, G replaced by C.
Protein change: p.Glu307Gln; replaces glutamic acid 307 with glutamine.
Molecular consequence: missense variant.
Genome position (GRCh38, 1-based): chr1:26,469,048, G>C. VCF-style: chr1-26469048-G-C. GRCh37 (hg19) VCF-style: chr1-26795539-G-C.
Other names: c.817G>C, p.Glu273Gln (NM_001243564.2); c.802G>C, p.Glu268Gln (NM_001243565.2); c.640G>C, p.Glu214Gln (NM_001319959.2); c.922G>C, p.Glu308Gln (NM_024887.4); short protein forms E214Q, E273Q, E307Q, E268Q, E308Q.
Identifiers: ClinVar variation 856987 (VCV000856987.13), dbSNP rs762740714, ClinGen allele CA705492.

ClinVar aggregate classification (germline): Uncertain significance. Review status: criteria provided, multiple submitters, no conflicts (2 of 4 stars). 4 submissions from 4 submitters: Uncertain significance (3). 1 of the submissions does not count toward it. Last evaluated 2025-03-21.

Conditions:
Retinitis pigmentosa 59 (RP59). Identifiers: Orphanet 791, MedGen C3151227, MONDO:0013468, OMIM 613861.

Allele frequency attached by ClinVar (database versions not stated): gnomAD 0.00002; TOPMed 0.00002; gnomAD exomes below 0.00001; ExAC 0.00002.
gnomAD v4.1: 7 of 1,613,826 alleles (0.00043%); highest among the groups gnomAD compares: Non-Finnish European, 0.00059%; no homozygotes.

Submissions (4):

GeneDx
Classification: Uncertain significance. Last evaluated: 2025-03-21. Review status: criteria provided, single submitter. Criteria: GeneDx Variant Classification Process June 2021. Collection method: clinical testing. Allele origin: germline. Affected: yes.
Comment: Not observed at significant frequency in large population cohorts (gnomAD); In silico analysis indicates that this missense variant does not alter protein structure/function; Has not been previously published as pathogenic or benign to our knowledge

Labcorp Genetics (formerly Invitae), Labcorp
Classification: Uncertain significance for Retinitis pigmentosa 59. Last evaluated: 2024-12-22. Review status: criteria provided, single submitter. Criteria: Invitae Variant Classification Sherloc (09022015). Collection method: clinical testing. Allele origin: germline.
Comment: This sequence change replaces glutamic acid, which is acidic and polar, with glutamine, which is neutral and polar, at codon 308 of the DHDDS protein (p.Glu308Gln). This variant is present in population databases (rs762740714, gnomAD 0.002%). This variant has not been reported in the literature in individuals affected with DHDDS-related conditions. ClinVar contains an entry for this variant (Variation ID: 856987). An algorithm developed to predict the effect of missense changes on protein structure and function (PolyPhen-2) suggests that this variant is likely to be disruptive. In summary, the available evidence is currently insufficient to determine the role of this variant in disease. Therefore, it has been classified as a Variant of Uncertain Significance.

Blueprint Genetics
Classification: Uncertain significance. Last evaluated: 2023-05-29. Review status: criteria provided, single submitter. Criteria: ACMG Guidelines, 2015. Collection method: clinical testing. Allele origin: germline.

Natera, Inc.
Classification: Uncertain significance for Retinitis pigmentosa type 59. Last evaluated: 2020-11-10. Review status: no assertion criteria provided. Collection method: clinical testing. Allele origin: germline. Not counted in ClinVar's aggregate classification.